The following is an entry in ClinVar:

ClinVar aggregate classification (germline): Uncertain significance (1 of 4 stars; one submission).

Conditions:
Cardiovascular phenotype. Identifiers: MedGen CN230736.

Submission:

Ambry Genetics
Classification: Uncertain significance for Cardiovascular phenotype. Last evaluated: 2023-11-09. Review status: criteria provided, single submitter. Criteria: Ambry Variant Classification Scheme 2023. Collection method: clinical testing. Allele origin: germline.
Comment: The p.A3554V variant (also known as c.10661C>T), located in coding exon 26 of the APOB gene, results from a C to T substitution at nucleotide position 10661. The alanine at codon 3554 is replaced by valine, an amino acid with similar properties. This amino acid position is conserved. In addition, this alteration is predicted to be tolerated by in silico analysis. Since supporting evidence is limited at this time, the clinical significance of this alteration remains unclear.

NM_000384.3(APOB):c.10661C>T (p.Ala3554Val)

Gene: APOB (apolipoprotein B; minus strand). Cytogenetic location: 2p24.1.
Variant type: single nucleotide variant.
Coding change: c.10661C>T on transcript NM_000384.3 (MANE Select); coding-DNA position 10661, C replaced by T.
Protein change: p.Ala3554Val; replaces alanine 3554 with valine.
Molecular consequence: missense variant.
Genome position (GRCh38, 1-based): chr2:21,006,207, G>A on the plus strand (C>T on the coding strand, the complement: APOB is on the minus strand). VCF-style: chr2-21006207-G-A. GRCh37 (hg19) VCF-style: chr2-21229079-G-A.
Other names: short protein forms A3554V.
Identifiers: ClinVar variation 3231357 (VCV003231357.1), dbSNP rs2465358917, ClinGen allele CA345985713.